The following is an entry in ClinVar:

ClinVar aggregate classification (germline): Pathogenic/Likely pathogenic. Review status: criteria provided, multiple submitters, no conflicts (2 of 4 stars). 2 submissions from 2 submitters: Pathogenic (1); Likely pathogenic (1). Last evaluated 2023-08-29.

Conditions:
Cystic fibrosis (CF). Also called: MUCOVISCIDOSIS. Identifiers: Orphanet 586, MedGen C0010674, MONDO:0009061, OMIM 219700. Disease mechanism: loss of function.

Submissions (2):

Labcorp Genetics (formerly Invitae), Labcorp
Classification: Pathogenic for Cystic fibrosis. Last evaluated: 2023-08-29. Review status: criteria provided, single submitter. Criteria: Invitae Variant Classification Sherloc (09022015). Collection method: clinical testing. Allele origin: germline.
Comment: For these reasons, this variant has been classified as Pathogenic. ClinVar contains an entry for this variant (Variation ID: 1726308). This sequence change creates a premature translational stop signal (p.Leu983Trpfs*17) in the CFTR gene. It is expected to result in an absent or disrupted protein product. Loss-of-function variants in CFTR are known to be pathogenic (PMID: 1695717, 7691345, 9725922). This variant is not present in population databases (gnomAD no frequency). This variant has not been reported in the literature in individuals affected with CFTR-related conditions.

Myriad Genetics, Inc.
Classification: Likely pathogenic for Cystic fibrosis. Last evaluated: 2021-12-16. Review status: criteria provided, single submitter. Criteria: Myriad Women's Health Autosomal Recessive and X-Linked Classification Criteria (2021). Collection method: clinical testing. Allele origin: unknown.
Comment: NM_000492.3(CFTR):c.2948delT(L983Wfs*17) is expected to be pathogenic in the context of cystic fibrosis. This variant is predicted to lead to an abnormal or absent protein product due to the creation of a premature termination codon in CFTR, a gene where loss-of-function variants are known to be pathogenic. Please note: this variant was assessed in the context of healthy population screening.

Literature cited by the submitters: PubMed 1695717 (cited by Labcorp Genetics (formerly Invitae), Labcorp); PubMed 7691345 (cited by Labcorp Genetics (formerly Invitae), Labcorp); PubMed 9725922 (cited by Labcorp Genetics (formerly Invitae), Labcorp).

NM_000492.4(CFTR):c.2948del (p.Leu983fs)

Genes: CFTR (CF transmembrane conductance regulator; plus strand), CFTR-AS2 (CFTR antisense RNA 2; minus strand). Cytogenetic location: 7q31.2.
Variant type: Deletion.
Coding change: c.2948del on transcript NM_000492.4 (MANE Select); coding-DNA position 2948, one base deleted (T; older notation c.2948delT).
Protein change: p.Leu983fs; shifts the reading frame from leucine 983.
Molecular consequence: frameshift variant.
Genome position (GRCh38, 1-based): chr7:117,606,713, T deleted; the last of 4 consecutive T bases (chr7:117,606,710-117,606,713); deleting any one gives the same sequence. VCF-style (leftmost placement, unchanged base first): chr7-117606709-AT-A. GRCh37 (hg19) VCF-style: chr7-117246763-AT-A.
Other names: short protein forms L983fs.
Identifiers: ClinVar variation 1726308 (VCV001726308.5), dbSNP rs2485125382, ClinGen allele CA2580076406.